The following is an entry in ClinVar:

NM_001164508.2(NEB):c.23835+2T>C

Genes: NEB (nebulin; minus strand), RIF1 (replication timing regulatory factor 1; plus strand). Cytogenetic location: 2q23.3.
Variant type: single nucleotide variant.
Coding change: c.23835+2T>C on transcript NM_001164508.2 (MANE Select); the canonical splice donor site of the intron after coding-DNA position 23835, T replaced by C.
Molecular consequence: splice donor variant.
Genome position (GRCh38, 1-based): chr2:151,503,347, A>G on the plus strand (T>C on the coding strand, the complement: NEB is on the minus strand). VCF-style: chr2-151503347-A-G. GRCh37 (hg19) VCF-style: chr2-152359861-A-G.
Other names: c.18732+2T>C (NM_004543.5); c.23835+2T>C (NM_001164507.2); c.23940+2T>C (NM_001271208.2).
Identifiers: ClinVar variation 2830121 (VCV002830121.3), dbSNP rs754895962, ClinGen allele CA1906233.

ClinVar aggregate classification (germline): Likely pathogenic (1 of 4 stars; one submission).

Conditions:
Nemaline myopathy 2 (NEM2). Also called: Nemaline myopathy 2, autosomal recessive. Identifiers: MedGen C1850569, MONDO:0009725, OMIM 256030.

Allele frequency attached by ClinVar (database versions not stated): gnomAD exomes below 0.00001; ExAC 0.00001.
gnomAD v4.1: 1 of 1,597,674 alleles (0.000063%); highest among the groups gnomAD compares: Non-Finnish European, 0.000086%; no homozygotes.

Submission:

Labcorp Genetics (formerly Invitae), Labcorp
Classification: Likely pathogenic for Nemaline myopathy 2. Last evaluated: 2023-01-19. Review status: criteria provided, single submitter. Criteria: Invitae Variant Classification Sherloc (09022015). Collection method: clinical testing. Allele origin: germline.
Comment: In summary, the currently available evidence indicates that the variant is pathogenic, but additional data are needed to prove that conclusively. Therefore, this variant has been classified as Likely Pathogenic. Algorithms developed to predict the effect of sequence changes on RNA splicing suggest that this variant may disrupt the consensus splice site. This variant has not been reported in the literature in individuals affected with NEB-related conditions. This variant is present in population databases (rs754895962, gnomAD 0.0009%). This sequence change affects a donor splice site in intron 167 of the NEB gene. It is expected to disrupt RNA splicing. Variants that disrupt the donor or acceptor splice site typically lead to a loss of protein function (PMID: 16199547), and loss-of-function variants in NEB are known to be pathogenic (PMID: 25205138).

Literature cited by the submitters: PubMed 16199547; PubMed 25205138.